The following is an entry in ClinVar:

ClinVar aggregate classification (germline): Benign (1 of 4 stars; one submission).

Allele frequency attached by ClinVar (database versions not stated): TOPMed 0.05004; gnomAD 0.05310 and 0.05500; 1000 Genomes Project 30x 0.05497; 1000 Genomes Project 0.05591.
gnomAD v4.1: 8,335 of 152,022 alleles (5.5%); highest among the groups gnomAD compares: South Asian, 12%; 278 homozygotes.

Submission:

GeneDx
Classification: Benign. Last evaluated: 2018-06-16. Review status: criteria provided, single submitter. Criteria: GeneDx Variant Classification (06012015). Collection method: clinical testing. Allele origin: germline. Affected: yes.
Comment: This variant is considered likely benign or benign based on one or more of the following criteria: it is a conservative change, it occurs at a poorly conserved position in the protein, it is predicted to be benign by multiple in silico algorithms, and/or has population frequency not consistent with disease.

NM_000540.3(RYR1):c.9122+329A>G

Gene: RYR1 (ryanodine receptor 1; plus strand). Cytogenetic location: 19q13.2.
Variant type: single nucleotide variant.
Coding change: c.9122+329A>G on transcript NM_000540.3 (MANE Select); 329 bases into the intron after coding-DNA position 9122, A replaced by G.
Molecular consequence: intron variant.
Genome position (GRCh38, 1-based): chr19:38,511,110, A>G. VCF-style: chr19-38511110-A-G. GRCh37 (hg19) VCF-style: chr19-39001750-A-G.
Other names: c.9122+329A>G (NM_001042723.2).
Identifiers: ClinVar variation 680972 (VCV000680972.1), dbSNP rs117201461, ClinGen allele CA308123713.